The following is an entry in ClinVar:

ClinVar aggregate classification (germline): Uncertain significance. Review status: criteria provided, multiple submitters, no conflicts (2 of 4 stars). 12 submissions from 12 submitters: Uncertain significance (7). 5 of the submissions do not count toward it. Last evaluated 2026-01-31.

Conditions:
ATM-related disorder. Also called: ATM-related disorders; ATM-related condition.
Hereditary cancer-predisposing syndrome. Also called: Neoplastic Syndromes, Hereditary; Hereditary neoplastic syndrome; Tumor predisposition; Hereditary Cancer Syndrome. Identifiers: Orphanet 140162, MedGen C0027672, MeSH D009386, MONDO:0015356.
Ataxia-telangiectasia syndrome (AT). Also called: Ataxia telangiectasia (A-T); Cerebello-oculocutaneous telangiectasia; Immunodeficiency with ataxia telangiectasia; LOUIS-BAR SYNDROME; AT, COMPLEMENTATION GROUP C; ATAXIA-TELANGIECTASIA, FRESNO VARIANT. Identifiers: Orphanet 100, MedGen C0004135, MONDO:0008840, OMIM 208900.

Allele frequency attached by ClinVar (database versions not stated): gnomAD exomes 0.00002 and 0.00001; gnomAD 0.00001; ExAC 0.00004; ESP Exome Variant Server 0.00008.
gnomAD v4.1: 20 of 1,612,250 alleles (0.0012%); highest among the groups gnomAD compares: African/African-American, 0.0053%; no homozygotes.

Submissions (12):

Labcorp Genetics (formerly Invitae), Labcorp
Classification: Uncertain significance for Ataxia-telangiectasia syndrome. Last evaluated: 2026-01-31. Review status: criteria provided, single submitter. Criteria: Invitae Variant Classification Sherloc (09022015). Collection method: clinical testing. Allele origin: germline.
Comment: This sequence change replaces arginine, which is basic and polar, with glutamine, which is neutral and polar, at codon 2598 of the ATM protein (p.Arg2598Gln). This variant is present in population databases (rs140263969, gnomAD 0.008%). This missense change has been observed in individual(s) with clinical features of ATM-related conditions (PMID: 25151137, 29684080, 31214711). ClinVar contains an entry for this variant (Variation ID: 229826). Invitae Evidence Modeling of protein sequence and biophysical properties (such as structural, functional, and spatial information, amino acid conservation, physicochemical variation, residue mobility, and thermodynamic stability) indicates that this missense variant is expected to disrupt ATM protein function with a positive predictive value of 80%. In summary, the available evidence is currently insufficient to determine the role of this variant in disease. Therefore, it has been classified as a Variant of Uncertain Significance.

Center for Genomic Medicine, Rigshospitalet, Copenhagen University Hospital
Classification: Uncertain significance. Last evaluated: 2025-03-04. Review status: criteria provided, single submitter. Criteria: ACMG Guidelines, 2015. Collection method: clinical testing. Allele origin: germline.

Ambry Genetics
Classification: Uncertain significance for Hereditary cancer-predisposing syndrome. Last evaluated: 2024-12-04. Review status: criteria provided, single submitter. Criteria: Ambry Variant Classification Scheme 2023. Collection method: clinical testing. Allele origin: germline.
Comment: The p.R2598Q variant (also known as c.7793G>A), located in coding exon 52 of the ATM gene, results from a G to A substitution at nucleotide position 7793. The arginine at codon 2598 is replaced by glutamine, an amino acid with highly similar properties. This alteration was identified in an individual diagnosed with gastric cancer (Vogelaar IP et al. Eur. J. Hum. Genet., 2017 11;25:1246-1252). This amino acid position is highly conserved in available vertebrate species. In addition, this alteration is predicted to be deleterious by in silico analysis. Based on the available evidence, the clinical significance of this variant remains unclear.

GeneDx
Classification: Uncertain significance. Last evaluated: 2024-06-17. Review status: criteria provided, single submitter. Criteria: GeneDx Variant Classification Process June 2021. Collection method: clinical testing. Allele origin: germline.
Comment: Not observed at significant frequency in large population cohorts (gnomAD); In silico analysis supports that this missense variant has a deleterious effect on protein structure/function; This variant is associated with the following publications: (PMID: 25151137, 33471991, 28875981, 29684080, 31214711, 36243179)

Color Diagnostics, LLC DBA Color Health
Classification: Uncertain significance for Hereditary cancer-predisposing syndrome. Last evaluated: 2024-02-05. Review status: criteria provided, single submitter. Criteria: ACMG Guidelines, 2015. Collection method: clinical testing. Allele origin: germline.
Comment: This missense variant replaces arginine with glutamine at codon 2598 of the ATM protein. Computational prediction suggests that this variant may have deleterious impact on protein structure and function. To our knowledge, functional studies have not been performed for this variant. This variant has been reported in an individual affected with prostate cancer (PMID: 31214711), an individual affected with gastric cancer (PMID: 28875981), as well as in a hereditary cancer cohort (PMID: 25151137). In an international breast cancer case-control meta-analysis, this variant was detected in 1/60466 cases and 2/53461 unaffected controls (PMID: 33471991). This variant has been identified in 7/281382 chromosomes in the general population by the Genome Aggregation Database (gnomAD). The available evidence is insufficient to determine the role of this variant in disease conclusively. Therefore, this variant is classified as a Variant of Uncertain Significance.

Sema4
Classification: Uncertain significance for Hereditary cancer-predisposing syndrome. Last evaluated: 2021-11-12. Review status: criteria provided, single submitter. Criteria: Sema4 Curation Guidelines. Collection method: curation. Allele origin: germline.
Comment: The ATM c.7793G>A (p.R2598Q) variant has been reported in patients with breast or gastric cancer, and has also been reported in healthy controls (PMID: 33471991, 29684080, 28875981). It was observed in 2/19888 chromosomes of the East Asian subpopulation in the large and broad cohorts of the Genome Aggregation Database (PMID: 32461654). This variant has been reported in ClinVar (Variation ID: 229826). In silico tools suggest the impact of the variant on protein function is deleterious, though these predictions have not been confirmed by functional studies. The evidence is insufficient to meet ACMG/AMP criteria for classifying the variant as benign or pathogenic. Thus, the clinical significance of this variant is currently uncertain.

Institute for Clinical Genetics, University Hospital TU Dresden, University Hospital TU Dresden
Classification: Uncertain significance. Last evaluated: 2021-11-03. Review status: criteria provided, single submitter. Criteria: ACMG Guidelines, 2015. Collection method: clinical testing. Allele origin: germline.

PreventionGenetics, part of Exact Sciences
Classification: Uncertain significance for ATM-related condition. Last evaluated: 2024-06-19. Review status: no assertion criteria provided. Collection method: clinical testing. Allele origin: germline. Not counted in ClinVar's aggregate classification.
Comment: The ATM c.7793G>A variant is predicted to result in the amino acid substitution p.Arg2598Gln. This variant has been reported in an individual with diffuse gastric cancer (Table S4, UPN 741A, Vogelaar et al. 2017. PubMed ID: 28875981). It has also been reported in a Next Generation Sequencing (NGS) study: However, no clinical details were provided (Table S5, Guan et al. 2015. PubMed ID: 25151137). This variant is reported in 0.010% of alleles in individuals of East Asian descent in gnomAD and is interpreted as uncertain in ClinVar. At this time, the clinical significance of this variant is uncertain due to the absence of conclusive functional and genetic evidence.

Clinical Genetics Laboratory, Department of Pathology, Netherlands Cancer Institute
Classification: Uncertain significance. Review status: no assertion criteria provided. Collection method: clinical testing. Allele origin: germline. Affected: yes. Study: VKGL Data-share Consensus. Not counted in ClinVar's aggregate classification.

Clinical Genetics, Academic Medical Center
Classification: Uncertain significance. Review status: no assertion criteria provided. Collection method: clinical testing. Allele origin: germline. Affected: yes. Study: VKGL Data-share Consensus. Not counted in ClinVar's aggregate classification.

Joint Genome Diagnostic Labs from Nijmegen and Maastricht, Radboudumc and MUMC+
Classification: Uncertain significance. Review status: no assertion criteria provided. Collection method: clinical testing. Allele origin: germline. Affected: yes. Study: VKGL Data-share Consensus. Not counted in ClinVar's aggregate classification.

Laboratory of Diagnostic Genome Analysis, Leiden University Medical Center (LUMC)
Classification: Uncertain significance. Review status: no assertion criteria provided. Collection method: clinical testing. Allele origin: germline. Affected: yes. Study: VKGL Data-share Consensus. Not counted in ClinVar's aggregate classification.

Literature cited by the submitters: PubMed 25151137 (cited by Labcorp Genetics (formerly Invitae), Labcorp and Color Diagnostics, LLC DBA Color Health); PubMed 29684080 (cited by 3 submitters); PubMed 31214711 (cited by 3 submitters); PubMed 28875981 (cited by 3 submitters); PubMed 33471991 (cited by Color Diagnostics, LLC DBA Color Health and Sema4).

NM_000051.4(ATM):c.7793G>A (p.Arg2598Gln)

Genes: ATM (ATM serine/threonine kinase; plus strand), C11orf65 (chromosome 11 open reading frame 65; minus strand). Cytogenetic location: 11q22.3.
Variant type: single nucleotide variant.
Coding change: c.7793G>A on transcript NM_000051.4 (MANE Select); coding-DNA position 7793, G replaced by A.
Protein change: p.Arg2598Gln; replaces arginine 2598 with glutamine.
Molecular consequence: missense variant. On other transcripts: intron variant (2).
Genome position (GRCh38, 1-based): chr11:108,332,766, G>A. VCF-style: chr11-108332766-G-A. GRCh37 (hg19) VCF-style: chr11-108203493-G-A.
Other names: c.7793G>A, p.Arg2598Gln (NM_001351834.2); c.641-23695C>T (NM_001330368.2); c.*38+2454C>T (NM_001351110.2); short protein forms R2598Q.
Identifiers: ClinVar variation 229826 (VCV000229826.30), dbSNP rs140263969, ClinGen allele CA6266194.
Genomic context (GRCh38, chr11:108,332,766, plus strand): 5'-AGAAGTTTAAATGTTGGGTAGTTCCTTATGTAATGTTTTTTGTTTTTTATTAATAGGATC[G>A]AACAGAGGCTGCAAATAGAATAATATGTACTATCAGAAGTAGGAGACCTCAGATGGTCAG-3'
Protein context (NP_000042.3, residues 2588-2608): PKQSSQLDED[Arg2598Gln]TEAANRIICT